The following is an entry in ClinVar:

NM_000159.4(GCDH):c.564del (p.Ser189fs)

Gene: GCDH (glutaryl-CoA dehydrogenase; plus strand). Cytogenetic location: 19p13.13.
Variant type: Deletion.
Coding change: c.564del on transcript NM_000159.4 (MANE Select); coding-DNA position 564, one base deleted (C; older notation c.564delC).
Protein change: p.Ser189fs; shifts the reading frame from serine 189.
Molecular consequence: frameshift variant. On other transcripts: non-coding transcript variant (2).
Genome position (GRCh38, 1-based): chr19:12,896,050, C deleted; the last of 4 consecutive C bases (chr19:12,896,047-12,896,050); deleting any one gives the same sequence. VCF-style (leftmost placement, unchanged base first): chr19-12896046-AC-A. GRCh37 (hg19) VCF-style: chr19-13006860-AC-A.
Other names: c.564del, p.Ser189fs (NM_013976.5); short protein forms S189fs.
Identifiers: ClinVar variation 5013832 (VCV005013832.1).

ClinVar aggregate classification (germline): Pathogenic (1 of 4 stars; one submission).

Conditions:
Glutaric aciduria, type 1. Also called: GA I; Glutaryl-CoA dehydrogenase deficiency; Glutaric acidemia type I; Glutaricacidemia Type 1; Glutaricaciduria, type I; Glutaric Acidemia Type 1. Identifiers: Orphanet 25, MedGen C0268595, MONDO:0009281, OMIM 231670.

Submission:

Myriad Genetics, Inc.
Classification: Pathogenic for Glutaric aciduria, type 1. Last evaluated: 2024-12-03. Review status: criteria provided, single submitter. Criteria: Myriad Autosomal Dominant, Autosomal Recessive and X-Linked Classification Criteria (2023). Collection method: clinical testing. Allele origin: unknown.
Comment: NM_000159.2(GCDH):c.564delC(S189Afs*35) is expected to be pathogenic in the context of glutaric acidemia, GCDH-related. This variant is predicted to lead to an abnormal or absent protein product due to the creation of a premature termination codon in GCDH, a gene where loss-of-function variants are known to be pathogenic. Please note: this variant was assessed in the context of healthy population screening.